The following is an entry in ClinVar:

ClinVar aggregate classification (germline): Uncertain significance (1 of 4 stars; one submission).

Conditions:
Hereditary cancer-predisposing syndrome. Also called: Neoplastic Syndromes, Hereditary; Tumor predisposition; Hereditary Cancer Syndrome; Hereditary neoplastic syndrome. Identifiers: Orphanet 140162, MedGen C0027672, MeSH D009386, MONDO:0015356.

Submission:

Ambry Genetics
Classification: Uncertain significance for Hereditary cancer-predisposing syndrome. Last evaluated: 2026-04-30. Review status: criteria provided, single submitter. Criteria: Ambry Variant Classification Scheme 2023. Collection method: clinical testing. Allele origin: germline.
Comment: The c.125delA variant, located in coding exon 2 of the POLE gene, results from a deletion of one nucleotide at nucleotide position 125, causing a translational frameshift with a predicted alternate stop codon (p.D42Vfs*12). Frameshift variants are typically expected to result in loss of function by premature protein truncation or nonsense-mediated mRNA decay. However, in silico splice site analysis predicts that this alteration will result in the creation or strengthening of a novel splice donor site and the resulting transcript is predicted to be in-frame. RNA studies have demonstrated that this variant results in a transcript predicted to lead to a protein with an in-frame deletion of 27 amino acids; however, the exact functional impact of the deleted amino acids is unknown at this time (Ambry internal data). Based on the available evidence, the clinical significance of this variant remains unclear.

NM_006231.4(POLE):c.125del (p.Asp42fs)

Gene: POLE (DNA polymerase epsilon, catalytic subunit; minus strand). Cytogenetic location: 12q24.33.
Variant type: Deletion.
Coding change: c.125del on transcript NM_006231.4 (MANE Select); coding-DNA position 125, one base deleted (A; older notation c.125delA).
Protein change: p.Asp42fs; shifts the reading frame from aspartic acid 42.
Molecular consequence: frameshift variant.
Genome position (GRCh38, 1-based): chr12:132,681,217, T deleted on the plus strand (A on the coding strand, the reverse complement: POLE is on the minus strand). VCF-style (leftmost placement, unchanged base first): chr12-132681216-AT-A. GRCh37 (hg19) VCF-style: chr12-133257802-AT-A.
Other names: short protein forms D42fs.
Identifiers: ClinVar variation 4862292 (VCV004862292.1).